The following is an entry in ClinVar:

NM_001844.5(COL2A1):c.4121A>C (p.Gln1374Pro)

Gene: COL2A1 (collagen type II alpha 1 chain; minus strand). Cytogenetic location: 12q13.11.
Variant type: single nucleotide variant.
Coding change: c.4121A>C on transcript NM_001844.5 (MANE Select); coding-DNA position 4121, A replaced by C.
Protein change: p.Gln1374Pro; replaces glutamine 1374 with proline.
Molecular consequence: missense variant.
Genome position (GRCh38, 1-based): chr12:47,974,285, T>G on the plus strand (A>C on the coding strand, the complement: COL2A1 is on the minus strand). VCF-style: chr12-47974285-T-G. GRCh37 (hg19) VCF-style: chr12-48368068-T-G.
Other names: c.3914A>C, p.Gln1305Pro (NM_033150.3); short protein forms Q1305P, Q1374P.
Identifiers: ClinVar variation 2505252 (VCV002505252.1), dbSNP rs2540095269, ClinGen allele CA384533827.

ClinVar aggregate classification (germline): Uncertain significance (1 of 4 stars; one submission).

Submission:

Greenwood Genetic Center Diagnostic Laboratories, Greenwood Genetic Center
Classification: Uncertain significance. Last evaluated: 2023-01-30. Review status: criteria provided, single submitter. Criteria: ACMG Guidelines, 2015. Collection method: clinical testing. Allele origin: germline. Affected: yes.
Comment: PM2, PP2, PP3